The following is an entry in ClinVar:

ClinVar aggregate classification (germline): Uncertain significance. Review status: criteria provided, multiple submitters, no conflicts (2 of 4 stars). 2 submissions from 2 submitters: Uncertain significance (2). Last evaluated 2024-09-27.

Conditions:
Charcot-Marie-Tooth disease recessive intermediate C. Also called: CHARCOT-MARIE-TOOTH NEUROPATHY, RECESSIVE INTERMEDIATE C. Identifiers: Orphanet 369867, MedGen C3809309, MONDO:0014154, OMIM 615376.
Neuronopathy, distal hereditary motor, autosomal recessive 4. Also called: Autosomal recessive lower motor neuron disease with childhood onset; NEUROPATHY, DISTAL HEREDITARY MOTOR, AUTOSOMAL RECESSIVE 4. Identifiers: Orphanet 206580, MedGen C1970211, MONDO:0012608, OMIM 611067.

Allele frequency attached by ClinVar (database versions not stated): gnomAD below 0.00001 and 0.00004; TOPMed 0.00001; gnomAD exomes 0.00005 and 0.00011; ExAC 0.00011; 1000 Genomes Project 30x 0.00062; 1000 Genomes Project 0.00080.
gnomAD v4.1: 85 of 1,613,018 alleles (0.0053%); highest among the groups gnomAD compares: South Asian, 0.089%; 1 homozygote.

Submissions (2):

Labcorp Genetics (formerly Invitae), Labcorp
Classification: Uncertain significance for Neuronopathy, distal hereditary motor, autosomal recessive 4; Charcot-Marie-Tooth disease recessive intermediate C. Last evaluated: 2024-09-27. Review status: criteria provided, single submitter. Criteria: Invitae Variant Classification Sherloc (09022015). Collection method: clinical testing. Allele origin: germline.
Comment: This sequence change replaces glutamic acid, which is acidic and polar, with glutamine, which is neutral and polar, at codon 765 of the PLEKHG5 protein (p.Glu765Gln). This variant is present in population databases (rs532817130, gnomAD 0.09%). This variant has not been reported in the literature in individuals affected with PLEKHG5-related conditions. ClinVar contains an entry for this variant (Variation ID: 598331). An algorithm developed to predict the effect of missense changes on protein structure and function outputs the following: PolyPhen-2: "Benign". The glutamine amino acid residue is found in multiple mammalian species, which suggests that this missense change does not adversely affect protein function. In summary, the available evidence is currently insufficient to determine the role of this variant in disease. Therefore, it has been classified as a Variant of Uncertain Significance.

Eurofins Ntd Llc (ga)
Classification: Uncertain significance. Last evaluated: 2018-08-16. Review status: criteria provided, single submitter. Criteria: EGL ClinVar v180209 classification definitions. Collection method: clinical testing. Allele origin: germline. Observed: 1 variant allele, 1 heterozygote.

NM_020631.6(PLEKHG5):c.2293G>C (p.Glu765Gln)

Gene: PLEKHG5 (pleckstrin homology and RhoGEF domain containing G5; minus strand). Cytogenetic location: 1p36.31.
Variant type: single nucleotide variant.
Coding change: c.2293G>C on transcript NM_020631.6 (MANE Select); coding-DNA position 2293, G replaced by C.
Protein change: p.Glu765Gln; replaces glutamic acid 765 with glutamine.
Molecular consequence: missense variant.
Genome position (GRCh38, 1-based): chr1:6,468,543, C>G on the plus strand (G>C on the coding strand, the complement: PLEKHG5 is on the minus strand). VCF-style: chr1-6468543-C-G. GRCh37 (hg19) VCF-style: chr1-6528603-C-G.
Other names: c.2404G>C, p.Glu802Gln (NM_001042663.3, NM_001265592.2); c.2293G>C, p.Glu765Gln (NM_001042664.2, NM_001042665.2, NM_001265594.3 and 1 more transcripts); c.2500G>C, p.Glu834Gln (NM_001265593.2); short protein forms E765Q, E834Q, E802Q.
Identifiers: ClinVar variation 598331 (VCV000598331.12), dbSNP rs532817130, ClinGen allele CA561189.